The following is an entry in ClinVar:

ClinVar aggregate classification (germline): Conflicting classifications of pathogenicity. Review status: criteria provided, conflicting classifications (1 of 4 stars). 5 submissions from 4 submitters: Uncertain significance (2); Benign (1); Likely benign (1). 1 of the submissions does not count toward it. Last evaluated 2025-11-27.

Conditions:
Fibrochondrogenesis 1 (FBCG1). Identifiers: Orphanet 2021, MedGen C3278138, MONDO:0009226, OMIM 228520.
Stickler syndrome type 2 (STL2). Also called: STICKLER SYNDROME, TYPE II; STICKLER SYNDROME, BEADED VITREOUS TYPE; STICKLER SYNDROME, VITREOUS TYPE 2; COL11A1-Related Stickler Syndrome. Identifiers: Orphanet 828, Orphanet 90654, MedGen C1858084, MONDO:0011493, OMIM 604841.
COL11A1-related disorder. Also called: COL11A1-related condition; COL11A1-related disorders.

Allele frequency attached by ClinVar (database versions not stated): TOPMed 0.00002; gnomAD 0.00004; ESP Exome Variant Server 0.00015; 1000 Genomes Project 30x 0.00016; 1000 Genomes Project 0.00020.
gnomAD v4.1: 48 of 1,611,992 alleles (0.003%); highest among the groups gnomAD compares: Non-Finnish European, 0.0026%; no homozygotes.

Submissions (5):

Labcorp Genetics (formerly Invitae), Labcorp
Classification: Benign. Last evaluated: 2025-11-27. Review status: criteria provided, single submitter. Criteria: Invitae Variant Classification Sherloc (09022015). Collection method: clinical testing. Allele origin: germline.

GeneDx
Classification: Likely benign. Last evaluated: 2018-03-28. Review status: criteria provided, single submitter. Criteria: GeneDx Variant Classification (06012015). Collection method: clinical testing. Allele origin: germline. Affected: yes.
Comment: This variant is considered likely benign or benign based on one or more of the following criteria: it is a conservative change, it occurs at a poorly conserved position in the protein, it is predicted to be benign by multiple in silico algorithms, and/or has population frequency not consistent with disease.

Illumina Laboratory Services, Illumina
Classification: Uncertain significance for Fibrochondrogenesis 1. Last evaluated: 2018-01-13. Review status: criteria provided, single submitter. Criteria: ICSL Variant Classification Criteria 13 December 2019. Collection method: clinical testing. Allele origin: germline.

Illumina Laboratory Services, Illumina
Classification: Uncertain significance for Stickler syndrome type 2. Last evaluated: 2018-01-13. Review status: criteria provided, single submitter. Criteria: ICSL Variant Classification Criteria 13 December 2019. Collection method: clinical testing. Allele origin: germline.

PreventionGenetics, part of Exact Sciences
Classification: Likely benign for COL11A1-related condition. Last evaluated: 2023-05-09. Review status: no assertion criteria provided. Collection method: clinical testing. Allele origin: germline. Not counted in ClinVar's aggregate classification.
Comment: This variant is classified as likely benign based on ACMG/AMP sequence variant interpretation guidelines (Richards et al. 2015 PMID: 25741868, with internal and published modifications).

NM_001854.4(COL11A1):c.1926A>G (p.Arg642=)

Gene: COL11A1 (collagen type XI alpha 1 chain; minus strand). Cytogenetic location: 1p21.1.
Variant type: single nucleotide variant.
Coding change: c.1926A>G on transcript NM_001854.4 (MANE Select); coding-DNA position 1926, A replaced by G.
Protein change: p.Arg642=; no amino-acid change (arginine 642 retained).
Molecular consequence: synonymous variant. On other transcripts: non-coding transcript variant (1).
Genome position (GRCh38, 1-based): chr1:103,004,462, T>C on the plus strand (A>G on the coding strand, the complement: COL11A1 is on the minus strand). VCF-style: chr1-103004462-T-C. GRCh37 (hg19) VCF-style: chr1-103470018-T-C.
Other names: c.1809A>G, p.Arg603= (NM_001190709.2); c.1962A>G, p.Arg654= (NM_080629.3); c.1578A>G, p.Arg526= (NM_080630.4).
Identifiers: ClinVar variation 681382 (VCV000681382.11), dbSNP rs142506188, ClinGen allele CA974754.